The following is an entry in ClinVar:

NM_006389.5(HYOU1):c.513T>C (p.Asp171=)

Gene: HYOU1 (hypoxia up-regulated 1; minus strand). Cytogenetic location: 11q23.3.
Variant type: single nucleotide variant.
Coding change: c.513T>C on transcript NM_006389.5 (MANE Select); coding-DNA position 513, T replaced by C.
Protein change: p.Asp171=; no amino-acid change (aspartic acid 171 retained).
Molecular consequence: synonymous variant.
Genome position (GRCh38, 1-based): chr11:119,054,659, A>G on the plus strand (T>C on the coding strand, the complement: HYOU1 is on the minus strand). VCF-style: chr11-119054659-A-G. GRCh37 (hg19) VCF-style: chr11-118925371-A-G.
Other names: c.513T>C, p.Asp171= (NM_001130991.3, NM_001411041.1).
Identifiers: ClinVar variation 2815478 (VCV002815478.3), dbSNP rs2134705524, ClinGen allele CA2739271711.

ClinVar aggregate classification (germline): Uncertain significance (1 of 4 stars; one submission).

Submission:

Labcorp Genetics (formerly Invitae), Labcorp
Classification: Uncertain significance. Last evaluated: 2022-11-20. Review status: criteria provided, single submitter. Criteria: Invitae Variant Classification Sherloc (09022015). Collection method: clinical testing. Allele origin: germline.
Comment: In summary, the available evidence is currently insufficient to determine the role of this variant in disease. Therefore, it has been classified as a Variant of Uncertain Significance. This variant has not been reported in the literature in individuals affected with HYOU1-related conditions. This variant is not present in population databases (gnomAD no frequency). This sequence change affects codon 171 of the HYOU1 mRNA. It is a 'silent' change, meaning that it does not change the encoded amino acid sequence of the HYOU1 protein.